The following is an entry in ClinVar:

ClinVar aggregate classification (germline): Likely benign. Review status: criteria provided, multiple submitters, no conflicts (2 of 4 stars). 2 submissions from 2 submitters: Likely benign (2). Last evaluated 2024-02-22.

Conditions:
Malignant hyperthermia, susceptibility to, 1 (MHS1). Also called: Anesthesia related hyperthermia; Malignant hyperpyrexia; Fulminating hyperpyrexia; Pharmacogenic myopathy; RYR1-Related Malignant Hyperthermia Susceptibility; Malignant hyperthermia suceptibility 1. Identifiers: Orphanet 423, MedGen C2930980, MONDO:0007783, OMIM 145600.
RYR1-related disorder. Also called: RYR1-related condition; RYR1-related disorders. Identifiers: MedGen CN239331.

Allele frequency attached by ClinVar (database versions not stated): TOPMed 0.00001.
gnomAD v4.1: 8 of 1,613,662 alleles (0.0005%); highest among the groups gnomAD compares: Non-Finnish European, 0.00059%; no homozygotes.

Submissions (2):

All of Us Research Program, National Institutes of Health
Classification: Likely benign for Malignant hyperthermia, susceptibility to, 1. Last evaluated: 2024-02-22. Review status: criteria provided, single submitter. Criteria: ACMG Guidelines, 2015. Collection method: clinical testing. Allele origin: germline. Inheritance: Autosomal dominant inheritance. Observed: 1 variant allele, 1 heterozygote.
Comment: This study involves interpretation of variants in research participants for the purpose of population health screening. Participant phenotype was not available at the time of variant classification. Additional details can be found in publication PMID: 35346344, PMCID: PMC8962531

Labcorp Genetics (formerly Invitae), Labcorp
Classification: Likely benign for RYR1-related disorder. Last evaluated: 2023-05-21. Review status: criteria provided, single submitter. Criteria: Invitae Variant Classification Sherloc (09022015). Collection method: clinical testing. Allele origin: germline.

NM_000540.3(RYR1):c.12540C>T (p.Ile4180=)

Gene: RYR1 (ryanodine receptor 1; plus strand). Cytogenetic location: 19q13.2.
Variant type: single nucleotide variant.
Coding change: c.12540C>T on transcript NM_000540.3 (MANE Select); coding-DNA position 12540, C replaced by T.
Protein change: p.Ile4180=; no amino-acid change (isoleucine 4180 retained).
Molecular consequence: synonymous variant.
Genome position (GRCh38, 1-based): chr19:38,561,370, C>T. VCF-style: chr19-38561370-C-T. GRCh37 (hg19) VCF-style: chr19-39052010-C-T.
Other names: c.12525C>T, p.Ile4175= (NM_001042723.2).
Identifiers: ClinVar variation 2884752 (VCV002884752.4), dbSNP rs1285625012, ClinGen allele CA507355349.